The following is an entry in ClinVar:

NM_021831.6(AGBL5):c.2437C>G (p.Arg813Gly)

Gene: AGBL5 (AGBL carboxypeptidase 5; plus strand). Cytogenetic location: 2p23.3.
Variant type: single nucleotide variant.
Coding change: c.2437C>G on transcript NM_021831.6 (MANE Select); coding-DNA position 2437, C replaced by G.
Protein change: p.Arg813Gly; replaces arginine 813 with glycine.
Molecular consequence: missense variant. On other transcripts: non-coding transcript variant (2).
Genome position (GRCh38, 1-based): chr2:27,069,654, C>G. VCF-style: chr2-27069654-C-G. GRCh37 (hg19) VCF-style: chr2-27292522-C-G.
Other names: short protein forms R813G.
Identifiers: ClinVar variation 864679 (VCV000864679.9), dbSNP rs758512907, ClinGen allele CA1568255.

ClinVar aggregate classification (germline): Uncertain significance. Review status: criteria provided, multiple submitters, no conflicts (2 of 4 stars). 3 submissions from 3 submitters: Uncertain significance (3). Last evaluated 2025-11-27.

Conditions:
Inborn genetic diseases. Identifiers: MedGen C0950123, MeSH D030342.

Allele frequency attached by ClinVar (database versions not stated): TOPMed 0.00014; gnomAD 0.00023.

Submissions (3):

Labcorp Genetics (formerly Invitae), Labcorp
Classification: Uncertain significance. Last evaluated: 2025-11-27. Review status: criteria provided, single submitter. Criteria: Invitae Variant Classification Sherloc (09022015). Collection method: clinical testing. Allele origin: germline.
Comment: This sequence change replaces arginine, which is basic and polar, with glycine, which is neutral and non-polar, at codon 813 of the AGBL5 protein (p.Arg813Gly). This variant is present in population databases (rs758512907, gnomAD 0.02%). This variant has not been reported in the literature in individuals affected with AGBL5-related conditions. ClinVar contains an entry for this variant (Variation ID: 864679). An algorithm developed to predict the effect of missense changes on protein structure and function (PolyPhen-2) suggests that this variant is likely to be tolerated. In summary, the available evidence is currently insufficient to determine the role of this variant in disease. Therefore, it has been classified as a Variant of Uncertain Significance.

Ambry Genetics
Classification: Uncertain significance for Inborn genetic diseases. Last evaluated: 2025-08-12. Review status: criteria provided, single submitter. Criteria: Ambry Variant Classification Scheme 2023. Collection method: clinical testing. Allele origin: germline.

Blueprint Genetics
Classification: Uncertain significance. Last evaluated: 2024-10-23. Review status: criteria provided, single submitter. Criteria: ACMG Guidelines, 2015. Collection method: clinical testing. Allele origin: germline.